The following is an entry in ClinVar:

ClinVar aggregate classification (germline): Pathogenic (1 of 4 stars; one submission).

Conditions:
Tyrosinemia type II (TYRSN2). Also called: KERATOSIS PALMOPLANTARIS WITH CORNEAL DYSTROPHY; OREGON TYPE TYROSINEMIA; TAT DEFICIENCY; TYROSINE AMINOTRANSFERASE DEFICIENCY; TYROSINE TRANSAMINASE DEFICIENCY. Identifiers: Orphanet 28378, MedGen C0268487, MONDO:0010160, OMIM 276600.

Submission:

Myriad Genetics, Inc.
Classification: Pathogenic for Tyrosinemia type II. Last evaluated: 2023-08-21. Review status: criteria provided, single submitter. Criteria: Myriad Autosomal Dominant, Autosomal Recessive and X-Linked Classification Criteria (2023). Collection method: clinical testing. Allele origin: unknown.
Comment: NM_000353.2(TAT):c.299del1ins15(A100Vfs*39) is expected to be pathogenic in the context of tyrosinemia type II. This variant is predicted to lead to an abnormal or absent protein product due to the creation of a premature termination codon in TAT, a gene where loss-of-function variants are known to be pathogenic. Please note: this variant was assessed in the context of healthy population screening.

NM_000353.3(TAT):c.299delinsTGTATAAGAGACAGT (p.Ala100fs)

Gene: TAT (tyrosine aminotransferase; minus strand). Cytogenetic location: 16q22.2.
Variant type: Indel.
Coding change: c.299delinsTGTATAAGAGACAGT on transcript NM_000353.3 (MANE Select); coding-DNA position 299, C replaced by TGTATAAGAGACAGT.
Protein change: p.Ala100fs; shifts the reading frame from alanine 100.
Molecular consequence: frameshift variant.
Genome position (GRCh38, 1-based): chr16:71,575,963, G replaced by ACTGTCTCTTATACA on the plus strand (C replaced by TGTATAAGAGACAGT on the coding strand, the reverse complement: TAT is on the minus strand). VCF-style: chr16-71575963-G-ACTGTCTCTTATACA. GRCh37 (hg19) VCF-style: chr16-71609866-G-ACTGTCTCTTATACA.
Other names: short protein forms A100fs.
Identifiers: ClinVar variation 5011426 (VCV005011426.1).